The following is an entry in ClinVar:

NM_003105.6(SORL1):c.2834G>A (p.Arg945Gln)

Gene: SORL1 (sortilin related receptor 1; plus strand). Cytogenetic location: 11q24.1.
Variant type: single nucleotide variant.
Coding change: c.2834G>A on transcript NM_003105.6 (MANE Select); coding-DNA position 2834, G replaced by A.
Protein change: p.Arg945Gln; replaces arginine 945 with glutamine.
Molecular consequence: missense variant.
Genome position (GRCh38, 1-based): chr11:121,558,761, G>A. VCF-style: chr11-121558761-G-A. GRCh37 (hg19) VCF-style: chr11-121429470-G-A.
Other names: c.2834G>A (NM_003105.5); short protein forms R945Q.
Identifiers: ClinVar variation 1612267 (VCV001612267.31), dbSNP rs779028706, ClinGen allele CA6329066.

ClinVar aggregate classification (germline): Benign/Likely benign. Review status: criteria provided, multiple submitters, no conflicts (2 of 4 stars). 3 submissions from 3 submitters: Benign (1); Likely benign (2). Last evaluated 2025-08-01.

Conditions:
SORL1-related disorder. Also called: SORL1-related condition.

Allele frequency attached by ClinVar (database versions not stated): gnomAD 0.00006 and 0.00005; gnomAD exomes 0.00009 and 0.00040; TOPMed 0.00021; ExAC 0.00045.
gnomAD v4.1: 143 of 1,614,008 alleles (0.0089%); highest among the groups gnomAD compares: Admixed American, 0.18%; 2 homozygotes.

Submissions (3):

PreventionGenetics, part of Exact Sciences
Classification: Likely benign for SORL1-related condition. Last evaluated: 2025-08-01. Review status: criteria provided, single submitter. Criteria: ACMG Guidelines, 2015. Collection method: clinical testing. Allele origin: germline.
Comment: This variant is classified as likely benign based on ACMG/AMP sequence variant interpretation guidelines (Richards et al. 2015 PMID: 25741868, with internal and published modifications).

CeGaT Center for Human Genetics Tuebingen
Classification: Benign. Last evaluated: 2024-02-01. Review status: criteria provided, single submitter. Criteria: CeGaT Center For Human Genetics Tuebingen Variant Classification Criteria Version 2. Collection method: clinical testing. Allele origin: germline. Affected: yes. Observed: 1 variant allele.
Comment: SORL1: BS1, BS2

Labcorp Genetics (formerly Invitae), Labcorp
Classification: Likely benign. Last evaluated: 2022-03-29. Review status: criteria provided, single submitter. Criteria: Invitae Variant Classification Sherloc (09022015). Collection method: clinical testing. Allele origin: germline.